The following is an entry in ClinVar:

NM_005993.5(TBCD):c.2039-1G>A

Genes: TBCD (tubulin folding cofactor D), LOC126862673 (CDK7 strongly-dependent group 2 enhancer GRCh37_chr17:80877734-80878933; plus strand). Cytogenetic location: 17q25.3.
Variant type: single nucleotide variant.
Coding change: c.2039-1G>A on transcript NM_005993.5 (MANE Select); the canonical splice acceptor site of the intron before coding-DNA position 2039, G replaced by A.
Molecular consequence: splice acceptor variant.
Genome position (GRCh38, 1-based): chr17:82,920,555, G>A. VCF-style: chr17-82920555-G-A. GRCh37 (hg19) VCF-style: chr17-80878431-G-A.
Other names: c.1958-1G>A (NM_001411102.1); c.1988-1G>A (NM_001411101.1).
Identifiers: ClinVar variation 1345634 (VCV001345634.6), dbSNP rs187099741, ClinGen allele CA401632603.

ClinVar aggregate classification (germline): Likely pathogenic (1 of 4 stars; one submission).

Submission:

Labcorp Genetics (formerly Invitae), Labcorp
Classification: Likely pathogenic. Last evaluated: 2022-03-22. Review status: criteria provided, single submitter. Criteria: Invitae Variant Classification Sherloc (09022015). Collection method: clinical testing. Allele origin: germline.
Comment: This variant has not been reported in the literature in individuals affected with TBCD-related conditions. This sequence change affects an acceptor splice site in intron 23 of the TBCD gene. It is expected to disrupt RNA splicing. Variants that disrupt the donor or acceptor splice site typically lead to a loss of protein function (PMID: 16199547), and loss-of-function variants in TBCD are known to be pathogenic (PMID: 27666370, 27666374). This variant is not present in population databases (gnomAD no frequency). Algorithms developed to predict the effect of sequence changes on RNA splicing suggest that this variant may disrupt the consensus splice site. In summary, the currently available evidence indicates that the variant is pathogenic, but additional data are needed to prove that conclusively. Therefore, this variant has been classified as Likely Pathogenic.

Literature cited by the submitters: PubMed 16199547; PubMed 27666370; PubMed 27666374.